The following is an entry in ClinVar:

NM_004991.4(MECOM):c.1189A>C (p.Met397Leu)

Gene: MECOM (MDS1 and EVI1 complex locus; minus strand). Cytogenetic location: 3q26.2.
Variant type: single nucleotide variant.
Coding change: c.1189A>C on transcript NM_004991.4 (MANE Select); coding-DNA position 1189, A replaced by C.
Protein change: p.Met397Leu; replaces methionine 397 with leucine.
Molecular consequence: missense variant. On other transcripts: intron variant (2).
Genome position (GRCh38, 1-based): chr3:169,116,683, T>G on the plus strand (A>C on the coding strand, the complement: MECOM is on the minus strand). VCF-style: chr3-169116683-T-G. GRCh37 (hg19) VCF-style: chr3-168834471-T-G.
Other names: c.820A>C, p.Met274Leu (NM_001105077.4); c.625A>C, p.Met209Leu (NM_001105078.4, NM_001164000.2, NM_001205194.2 and 4 more transcripts); c.628A>C, p.Met210Leu (NM_001163999.2, NM_001366467.2, NM_001366468.2 and 1 more transcripts); c.1189A>C, p.Met397Leu (NM_001366466.2); c.1133-916A>C (NM_001366473.2); c.569-916A>C (NM_001366474.2); short protein forms M209L, M210L, M397L, M274L.
Identifiers: ClinVar variation 3677338 (VCV003677338.2).

ClinVar aggregate classification (germline): Uncertain significance (1 of 4 stars; one submission).

Submission:

Labcorp Genetics (formerly Invitae), Labcorp
Classification: Uncertain significance. Last evaluated: 2024-05-15. Review status: criteria provided, single submitter. Criteria: Invitae Variant Classification Sherloc (09022015). Collection method: clinical testing. Allele origin: germline.
Comment: This sequence change replaces methionine, which is neutral and non-polar, with leucine, which is neutral and non-polar, at codon 209 of the MECOM protein (p.Met209Leu). This variant is not present in population databases (gnomAD no frequency). This variant has not been reported in the literature in individuals affected with MECOM-related conditions. An algorithm developed to predict the effect of missense changes on protein structure and function (PolyPhen-2) suggests that this variant is likely to be disruptive. In summary, the available evidence is currently insufficient to determine the role of this variant in disease. Therefore, it has been classified as a Variant of Uncertain Significance.